The following is an entry in ClinVar:

ClinVar aggregate classification (germline): Likely benign. Review status: criteria provided, multiple submitters, no conflicts (2 of 4 stars). 2 submissions from 2 submitters: Likely benign (2). Last evaluated 2022-11-08.

Allele frequency attached by ClinVar (database versions not stated): gnomAD exomes below 0.00001; ExAC 0.00001; TOPMed 0.00002; gnomAD 0.00003.
gnomAD v4.1: 10 of 1,613,336 alleles (0.00062%); highest among the groups gnomAD compares: Non-Finnish European, 0.00085%; no homozygotes.

Submissions (2):

Labcorp Genetics (formerly Invitae), Labcorp
Classification: Likely benign. Last evaluated: 2022-11-08. Review status: criteria provided, single submitter. Criteria: Invitae Variant Classification Sherloc (09022015). Collection method: clinical testing. Allele origin: germline.

GeneDx
Classification: Likely benign. Last evaluated: 2017-10-16. Review status: criteria provided, single submitter. Criteria: GeneDx Variant Classification (06012015). Collection method: clinical testing. Allele origin: germline. Affected: yes.
Comment: This variant is considered likely benign or benign based on one or more of the following criteria: it is a conservative change, it occurs at a poorly conserved position in the protein, it is predicted to be benign by multiple in silico algorithms, and/or has population frequency not consistent with disease.

NM_018060.4(IARS2):c.1770T>C (p.Tyr590=)

Gene: IARS2 (isoleucyl-tRNA synthetase 2, mitochondrial; plus strand). Cytogenetic location: 1q41.
Variant type: single nucleotide variant.
Coding change: c.1770T>C on transcript NM_018060.4 (MANE Select); coding-DNA position 1770, T replaced by C.
Protein change: p.Tyr590=; no amino-acid change (tyrosine 590 retained).
Molecular consequence: synonymous variant.
Genome position (GRCh38, 1-based): chr1:220,126,776, T>C. VCF-style: chr1-220126776-T-C. GRCh37 (hg19) VCF-style: chr1-220300118-T-C.
Identifiers: ClinVar variation 512413 (VCV000512413.5), dbSNP rs768336894, ClinGen allele CA1401581.